The following is an entry in ClinVar:

NM_052947.4(ALPK2):c.2176G>A (p.Asp726Asn)

Gene: ALPK2 (alpha kinase 2; minus strand). Cytogenetic location: 18q21.31.
Variant type: single nucleotide variant.
Coding change: c.2176G>A on transcript NM_052947.4 (MANE Select); coding-DNA position 2176, G replaced by A.
Protein change: p.Asp726Asn; replaces aspartic acid 726 with asparagine.
Molecular consequence: missense variant.
Genome position (GRCh38, 1-based): chr18:58,538,011, C>T on the plus strand (G>A on the coding strand, the complement: ALPK2 is on the minus strand). VCF-style: chr18-58538011-C-T. GRCh37 (hg19) VCF-style: chr18-56205243-C-T.
Other names: short protein forms D726N.
Identifiers: ClinVar variation 1787188 (VCV001787188.3), dbSNP rs138103124, ClinGen allele CA300927725.
Genomic context (GRCh38, chr18:58,538,011, plus strand): 5'-CTTCTGAGATGCTCTGCTCATATTTTAGGTCTTCCCTGAAATTGTCAGGTATGTTGCCAT[C>T]TCTGTCTTGTTTTTCTTCATGCTGTGGACCACAGGTACAGGGTTTGACCTCCGAGTGTTG-3'
Protein context (NP_443179.3, residues 716-736): GPQHEEKQDR[Asp726Asn]GNIPDNFRED

ClinVar aggregate classification (germline): Uncertain significance (1 of 4 stars; one submission).

Allele frequency attached by ClinVar (database versions not stated): gnomAD exomes below 0.00001.
gnomAD v4.1: 2 of 1,614,210 alleles (0.00012%); highest among the groups gnomAD compares: Non-Finnish European, 0.00017%; no homozygotes.

Submission:

Ambry Genetics
Classification: Uncertain significance. Last evaluated: 2024-04-28. Review status: criteria provided, single submitter. Criteria: Ambry Variant Classification Scheme 2023. Collection method: clinical testing. Allele origin: germline.
Comment: The p.D726N variant (also known as c.2176G>A), located in coding exon 4 of the ALPK2 gene, results from a G to A substitution at nucleotide position 2176. The aspartic acid at codon 726 is replaced by asparagine, an amino acid with highly similar properties. This amino acid position is conserved. In addition, this alteration is predicted to be tolerated by in silico analysis. Since supporting evidence is limited at this time, the clinical significance of this alteration remains unclear.